The following is an entry in ClinVar:

ClinVar aggregate classification (germline): Uncertain significance (1 of 4 stars; one submission).

Conditions:
Inborn genetic diseases. Identifiers: MedGen C0950123, MeSH D030342.

Submission:

Ambry Genetics
Classification: Uncertain significance for Inborn genetic diseases. Last evaluated: 2022-06-23. Review status: criteria provided, single submitter. Criteria: Ambry Variant Classification Scheme 2023. Collection method: clinical testing. Allele origin: germline.
Comment: The c.1103T>G (p.V368G) alteration is located in exon 10 (coding exon 7) of the WDFY3 gene. This alteration results from a T to G substitution at nucleotide position 1103, causing the valine (V) at amino acid position 368 to be replaced by a glycine (G). This variant was not reported in population-based cohorts in the Genome Aggregation Database (gnomAD). This amino acid position is not well conserved in available vertebrate species. This alteration is predicted to be tolerated by in silico analysis. Based on insufficient or conflicting evidence, the clinical significance of this alteration remains unclear.

NM_014991.6(WDFY3):c.1103T>G (p.Val368Gly)

Gene: WDFY3 (WD repeat and FYVE domain containing 3; minus strand). Cytogenetic location: 4q21.23.
Variant type: single nucleotide variant.
Coding change: c.1103T>G on transcript NM_014991.6 (MANE Select); coding-DNA position 1103, T replaced by G.
Protein change: p.Val368Gly; replaces valine 368 with glycine.
Molecular consequence: missense variant.
Genome position (GRCh38, 1-based): chr4:84,826,835, A>C on the plus strand (T>G on the coding strand, the complement: WDFY3 is on the minus strand). VCF-style: chr4-84826835-A-C. GRCh37 (hg19) VCF-style: chr4-85747988-A-C.
Other names: short protein forms V368G.
Identifiers: ClinVar variation 2291043 (VCV002291043.2), dbSNP rs780736266, ClinGen allele CA357573262.